The following is an entry in ClinVar:

ClinVar aggregate classification (germline): Uncertain significance (1 of 4 stars; one submission).

Conditions:
CHARGE syndrome (CHARGE). Also called: Hittner Hirsch Kreh syndrome; CHARGE ASSOCIATION--COLOBOMA, HEART ANOMALY, CHOANAL ATRESIA, RETARDATION, GENITAL AND EAR ANOMALIES; Coloboma, heart anomaly, choanal atresia, retardation, genital and ear anomalies; CHARGE association; Hall-Hittner syndrome. Identifiers: Orphanet 138, MedGen C0265354, MONDO:0008965.

Submission:

Labcorp Genetics (formerly Invitae), Labcorp
Classification: Uncertain significance for CHARGE syndrome. Last evaluated: 2023-11-10. Review status: criteria provided, single submitter. Criteria: Invitae Variant Classification Sherloc (09022015). Collection method: clinical testing. Allele origin: germline.
Comment: This sequence change replaces glycine, which is neutral and non-polar, with arginine, which is basic and polar, at codon 380 of the SEMA3E protein (p.Gly380Arg). This variant is not present in population databases (gnomAD no frequency). This variant has not been reported in the literature in individuals affected with SEMA3E-related conditions. Advanced modeling of protein sequence and biophysical properties (such as structural, functional, and spatial information, amino acid conservation, physicochemical variation, residue mobility, and thermodynamic stability) performed at Invitae indicates that this missense variant is expected to disrupt SEMA3E protein function with a positive predictive value of 80%. In summary, the available evidence is currently insufficient to determine the role of this variant in disease. Therefore, it has been classified as a Variant of Uncertain Significance.

NM_012431.3(SEMA3E):c.1138G>C (p.Gly380Arg)

Gene: SEMA3E (semaphorin 3E; minus strand). Cytogenetic location: 7q21.11.
Variant type: single nucleotide variant.
Coding change: c.1138G>C on transcript NM_012431.3 (MANE Select); coding-DNA position 1138, G replaced by C.
Protein change: p.Gly380Arg; replaces glycine 380 with arginine.
Molecular consequence: missense variant.
Genome position (GRCh38, 1-based): chr7:83,402,637, C>G on the plus strand (G>C on the coding strand, the complement: SEMA3E is on the minus strand). VCF-style: chr7-83402637-C-G. GRCh37 (hg19) VCF-style: chr7-83031953-C-G.
Other names: c.958G>C, p.Gly320Arg (NM_001178129.2); short protein forms G320R, G380R.
Identifiers: ClinVar variation 2694967 (VCV002694967.3), dbSNP rs1562765623, ClinGen allele CA367928880.
Genomic context (GRCh38, chr7:83,402,637, plus strand): 5'-TATTACCAAAAGTATACTTAAAAATAAGAATTATTTGTTATATAACTAAACTTACAGAAC[C>G]AGGCCTTGGATAAGGGACTTTTCCTTCATAGACTGACCAGTGGTATTCAGGTCCTTCCTT-3'
Protein context (NP_036563.1, residues 370-390): YEGKVPYPRP[Gly380Arg]SCASKVNGGR